The following is an entry in ClinVar:

ClinVar aggregate classification (germline): Likely benign (1 of 4 stars; one submission).

gnomAD v4.1: 4 of 1,613,000 alleles (0.00025%); highest among the groups gnomAD compares: Non-Finnish European, 0.00034%; no homozygotes.

Submission:

CeGaT Center for Human Genetics Tuebingen
Classification: Likely benign. Last evaluated: 2025-02-01. Review status: criteria provided, single submitter. Criteria: CeGaT Center For Human Genetics Tuebingen Variant Classification Criteria Version 2. Collection method: clinical testing. Allele origin: germline. Affected: yes. Observed: 1 variant allele.
Comment: DLL3: BP4, BP7

NM_203486.3(DLL3):c.801C>T (p.Thr267=)

Gene: DLL3 (delta like canonical Notch ligand 3; plus strand). Cytogenetic location: 19q13.2.
Variant type: single nucleotide variant.
Coding change: c.801C>T on transcript NM_203486.3 (MANE Select); coding-DNA position 801, C replaced by T.
Protein change: p.Thr267=; no amino-acid change (threonine 267 retained).
Molecular consequence: synonymous variant.
Genome position (GRCh38, 1-based): chr19:39,504,219, C>T. VCF-style: chr19-39504219-C-T. GRCh37 (hg19) VCF-style: chr19-39994859-C-T.
Other names: c.801C>T, p.Thr267= (NM_016941.4).
Identifiers: ClinVar variation 3770963 (VCV003770963.13).
Genomic context (GRCh38, chr19:39,504,219, plus strand): 5'-CTGCACGGTCCCTGTCTCCACCAGCAGCTGCCTCAGCCCCAGGGGCCCGTCCTCTGCTAC[C>T]ACCGGATGCCTTGTCCCTGGGCCTGGGCCCTGTGACGGGAACCCGTGTGCCAATGGAGGC-3'
Protein context (NP_982353.1, residues 257-277): CLSPRGPSSA[Thr267=]TGCLVPGPGP